The following is an entry in ClinVar:

ClinVar aggregate classification (germline): Uncertain significance (1 of 4 stars; one submission).

Conditions:
Hypertrophic cardiomyopathy. Also called: HYPERTROPHIC MYOCARDIOPATHY. Identifiers: Orphanet 217569, MedGen C0007194, MeSH D002312, MONDO:0005045, HP:0001639.

Submission:

Labcorp Genetics (formerly Invitae), Labcorp
Classification: Uncertain significance for Hypertrophic cardiomyopathy. Last evaluated: 2021-08-07. Review status: criteria provided, single submitter. Criteria: Invitae Variant Classification Sherloc (09022015). Collection method: clinical testing. Allele origin: germline.
Comment: This variant is a gross deletion of the genomic region encompassing exon(s) 27 of the MYOM1 gene. This deletion is out-of-frame, and is expected to create a premature translational stop signal and result in an absent or disrupted protein product. However, the current clinical and genetic evidence is not sufficient to establish whether loss-of-function variants in MYOM1 cause disease. This variant has not been reported in the literature in individuals affected with MYOM1-related conditions. In summary, the available evidence is currently insufficient to determine the role of this variant in disease. Therefore, it has been classified as a Variant of Uncertain Significance.

NC_000018.9:g.(?_3090636)_(3090820_?)del

Gene: MYOM1 (myomesin 1; minus strand). Cytogenetic location: 18p11.31.
Variant type: Deletion.
Identifiers: ClinVar variation 1443540 (VCV001443540.4).